The following is an entry in ClinVar:

NM_021100.5(NFS1):c.521C>T (p.Thr174Ile)

Gene: NFS1 (NFS1 cysteine desulfurase; minus strand). Cytogenetic location: 20q11.22.
Variant type: single nucleotide variant.
Coding change: c.521C>T on transcript NM_021100.5 (MANE Select); coding-DNA position 521, C replaced by T.
Protein change: p.Thr174Ile; replaces threonine 174 with isoleucine.
Molecular consequence: missense variant. On other transcripts: non-coding transcript variant (1), intron variant (1).
Genome position (GRCh38, 1-based): chr20:35,690,453, G>A on the plus strand (C>T on the coding strand, the complement: NFS1 is on the minus strand). VCF-style: chr20-35690453-G-A. GRCh37 (hg19) VCF-style: chr20-34278375-G-A.
Other names: c.408+5924C>T (NM_001198989.2); short protein forms T174I.
Identifiers: ClinVar variation 1364779 (VCV001364779.4), dbSNP rs773889381, ClinGen allele CA314146542.

ClinVar aggregate classification (germline): Uncertain significance (1 of 4 stars; one submission).

gnomAD v4.1: 3 of 1,613,874 alleles (0.00019%); highest among the groups gnomAD compares: Admixed American, 0.0033%; no homozygotes.

Submission:

Labcorp Genetics (formerly Invitae), Labcorp
Classification: Uncertain significance. Last evaluated: 2022-02-24. Review status: criteria provided, single submitter. Criteria: Invitae Variant Classification Sherloc (09022015). Collection method: clinical testing. Allele origin: germline.
Comment: In summary, the available evidence is currently insufficient to determine the role of this variant in disease. Therefore, it has been classified as a Variant of Uncertain Significance. Algorithms developed to predict the effect of missense changes on protein structure and function (SIFT, PolyPhen-2, Align-GVGD) all suggest that this variant is likely to be disruptive. This variant has not been reported in the literature in individuals affected with NFS1-related conditions. This variant is not present in population databases (gnomAD no frequency). This sequence change replaces threonine, which is neutral and polar, with isoleucine, which is neutral and non-polar, at codon 174 of the NFS1 protein (p.Thr174Ile).